The following is an entry in ClinVar:

NM_004656.4(BAP1):c.130dup (p.Tyr44fs)

Gene: BAP1 (BRCA1 associated deubiquitinase 1; minus strand). Cytogenetic location: 3p21.1.
Variant type: Duplication.
Coding change: c.130dup on transcript NM_004656.4 (MANE Select); coding-DNA position 130, one base duplicated (T; older notation c.130dupT).
Protein change: p.Tyr44fs; shifts the reading frame from tyrosine 44.
Molecular consequence: frameshift variant.
Genome position (GRCh38, 1-based): chr3:52,408,599, A duplicated on the plus strand (T on the coding strand, the reverse complement: BAP1 is on the minus strand). VCF-style (leftmost placement, unchanged base first): chr3-52408598-T-TA. GRCh37 (hg19) VCF-style: chr3-52442614-T-TA.
Other names: c.130dup, p.Tyr44fs (NM_001410772.1); short protein forms Y44fs.
Identifiers: ClinVar variation 2583014 (VCV002583014.25), dbSNP rs2471358764, ClinGen allele CA2582342865.

ClinVar aggregate classification (germline): Pathogenic (1 of 4 stars; one submission).

Submission:

CeGaT Center for Human Genetics Tuebingen
Classification: Pathogenic. Last evaluated: 2023-09-01. Review status: criteria provided, single submitter. Criteria: CeGaT Center For Human Genetics Tuebingen Variant Classification Criteria Version 2. Collection method: clinical testing. Allele origin: germline. Affected: yes. Observed: 1 variant allele.
Comment: BAP1: PVS1, PM2